The following is an entry in ClinVar:

NM_002661.5(PLCG2):c.826A>T (p.Thr276Ser)

Gene: PLCG2 (phospholipase C gamma 2; plus strand). Cytogenetic location: 16q23.3.
Variant type: single nucleotide variant.
Coding change: c.826A>T on transcript NM_002661.5 (MANE Select); coding-DNA position 826, A replaced by T.
Protein change: p.Thr276Ser; replaces threonine 276 with serine.
Molecular consequence: missense variant.
Genome position (GRCh38, 1-based): chr16:81,889,232, A>T. VCF-style: chr16-81889232-A-T. GRCh37 (hg19) VCF-style: chr16-81922837-A-T.
Other names: c.826A>T, p.Thr276Ser (NM_001425749.1, NM_001425750.1, NM_001425751.1); short protein forms T276S.
Identifiers: ClinVar variation 2745510 (VCV002745510.3), dbSNP rs2507613214, ClinGen allele CA396897775.
Genomic context (GRCh38, chr16:81,889,232, plus strand): 5'-GAGCATTGGGCTCAGGATCTGAACAAAGTCCGTGAGCGGATGACAAAGTTCATTGATGAC[A>T]CCATGCGTGAAACTGCTGAGCCTTTCTTGTTTGTGGATGAGGTGAGTAGGCTGGGCTTGT-3'
Protein context (NP_002652.2, residues 266-286): RERMTKFIDD[Thr276Ser]MRETAEPFLF

ClinVar aggregate classification (germline): Uncertain significance (1 of 4 stars; one submission).

Conditions:
Familial cold autoinflammatory syndrome 3 (FCAS3). Also called: FAMILIAL ATYPICAL COLD URTICARIA; ANTIBODY DEFICIENCY AND IMMUNE DYSREGULATION, PLCG2-ASSOCIATED. Identifiers: Orphanet 300359, MedGen C3280914, MONDO:0013766, OMIM 614468.

Submission:

Labcorp Genetics (formerly Invitae), Labcorp
Classification: Uncertain significance for Familial cold autoinflammatory syndrome 3. Last evaluated: 2023-07-20. Review status: criteria provided, single submitter. Criteria: Invitae Variant Classification Sherloc (09022015). Collection method: clinical testing. Allele origin: germline.
Comment: In summary, the available evidence is currently insufficient to determine the role of this variant in disease. Therefore, it has been classified as a Variant of Uncertain Significance. An algorithm developed to predict the effect of missense changes on protein structure and function (PolyPhen-2) suggests that this variant is likely to be disruptive. This variant has not been reported in the literature in individuals affected with PLCG2-related conditions. This variant is not present in population databases (gnomAD no frequency). This sequence change replaces threonine, which is neutral and polar, with serine, which is neutral and polar, at codon 276 of the PLCG2 protein (p.Thr276Ser).